The following is an entry in ClinVar:

NM_020843.4(SCAPER):c.3855+7G>T

Gene: SCAPER (S-phase cyclin A associated protein in the ER; minus strand). Cytogenetic location: 15q24.3.
Variant type: single nucleotide variant.
Coding change: c.3855+7G>T on transcript NM_020843.4 (MANE Select); 7 bases into the intron after coding-DNA position 3855, G replaced by T.
Molecular consequence: intron variant.
Genome position (GRCh38, 1-based): chr15:76,376,155, C>A on the plus strand (G>T on the coding strand, the complement: SCAPER is on the minus strand). VCF-style: chr15-76376155-C-A. GRCh37 (hg19) VCF-style: chr15-76668496-C-A.
Other names: c.3471+7G>T (NM_001353011.2); c.3453+7G>T (NM_001353012.2, NM_001353010.2); c.3873+7G>T (NM_001353009.2); c.3117+7G>T (NM_001145923.2).
Identifiers: ClinVar variation 5001901 (VCV005001901.1).

ClinVar aggregate classification (germline): Likely benign (1 of 4 stars; one submission).

Conditions:
SCAPER-related disorder. Also called: SCAPER-related condition.

Submission:

PreventionGenetics, part of Exact Sciences
Classification: Likely benign for SCAPER-related condition. Last evaluated: 2024-11-21. Review status: criteria provided, single submitter. Criteria: ACMG Guidelines, 2015. Collection method: clinical testing. Allele origin: germline.
Comment: This variant is classified as likely benign based on ACMG/AMP sequence variant interpretation guidelines (Richards et al. 2015 PMID: 25741868, with internal and published modifications).